The following is an entry in ClinVar:

NM_002439.5(MSH3):c.852T>A (p.Ser284Arg)

Gene: MSH3 (mutS homolog 3; plus strand). Cytogenetic location: 5q14.1.
Variant type: single nucleotide variant.
Coding change: c.852T>A on transcript NM_002439.5 (MANE Select); coding-DNA position 852, T replaced by A.
Protein change: p.Ser284Arg; replaces serine 284 with arginine.
Molecular consequence: missense variant.
Genome position (GRCh38, 1-based): chr5:80,672,303, T>A. VCF-style: chr5-80672303-T-A. GRCh37 (hg19) VCF-style: chr5-79968122-T-A.
Other names: short protein forms S284R.
Identifiers: ClinVar variation 2451076 (VCV002451076.2), dbSNP rs1749741198, ClinGen allele CA360267182.

ClinVar aggregate classification (germline): Uncertain significance (1 of 4 stars; one submission).

Conditions:
Hereditary cancer-predisposing syndrome. Also called: Neoplastic Syndromes, Hereditary; Tumor predisposition; Hereditary neoplastic syndrome; Hereditary Cancer Syndrome. Identifiers: Orphanet 140162, MedGen C0027672, MeSH D009386, MONDO:0015356.

Allele frequency attached by ClinVar (database versions not stated): gnomAD exomes below 0.00001.
gnomAD v4.1: 1 of 1,614,138 alleles (0.000062%); highest among the groups gnomAD compares: Non-Finnish European, 0.000085%; no homozygotes.

Submission:

Ambry Genetics
Classification: Uncertain significance for Hereditary cancer-predisposing syndrome. Last evaluated: 2023-02-08. Review status: criteria provided, single submitter. Criteria: Ambry Variant Classification Scheme 2023. Collection method: clinical testing. Allele origin: germline.
Comment: The p.S284R variant (also known as c.852T>A), located in coding exon 5 of the MSH3 gene, results from a T to A substitution at nucleotide position 852. The serine at codon 284 is replaced by arginine, an amino acid with dissimilar properties. This amino acid position is conserved. In addition, this alteration is predicted to be deleterious by in silico analysis. Since supporting evidence is limited at this time, the clinical significance of this alteration remains unclear.